The following is an entry in ClinVar:

NM_019032.6(ADAMTSL4):c.3179G>A (p.Arg1060His)

Gene: ADAMTSL4 (ADAMTS like 4; plus strand). Cytogenetic location: 1q21.2.
Variant type: single nucleotide variant.
Coding change: c.3179G>A on transcript NM_019032.6 (MANE Select); coding-DNA position 3179, G replaced by A.
Protein change: p.Arg1060His; replaces arginine 1060 with histidine.
Molecular consequence: missense variant.
Genome position (GRCh38, 1-based): chr1:150,560,150, G>A. VCF-style: chr1-150560150-G-A. GRCh37 (hg19) VCF-style: chr1-150532626-G-A.
Other names: c.3062G>A, p.Arg1021His (NM_001288607.2); c.3248G>A, p.Arg1083His (NM_001288608.2); c.3179G>A, p.Arg1060His (NM_001378596.1); short protein forms R1060H, R1021H, R1083H.
Identifiers: ClinVar variation 292567 (VCV000292567.16), dbSNP rs147697821, ClinGen allele CA1078977.

ClinVar aggregate classification (germline): Likely benign. Review status: criteria provided, multiple submitters, no conflicts (2 of 4 stars). 5 submissions from 4 submitters: Likely benign (5). Last evaluated 2026-01-23.

Conditions:
Ectopia lentis et pupillae. Also called: ECTOPIA LENTIS WITH ECTOPIA OF PUPIL. Identifiers: Orphanet 1885, MedGen C1644196, MONDO:0009153, OMIM 225200.
Ectopia lentis 2, isolated, autosomal recessive (ECTOL2). Identifiers: Orphanet 1885, MedGen C3541474, MONDO:0009152, OMIM 225100.

Allele frequency attached by ClinVar (database versions not stated): 1000 Genomes Project 30x 0.00078; 1000 Genomes Project 0.00080; gnomAD exomes 0.00089 and 0.00076; ExAC 0.00116; TOPMed 0.00040; gnomAD 0.00041 and 0.00051; ESP Exome Variant Server 0.00054.
gnomAD v4.1: 1,189 of 1,614,024 alleles (0.074%); highest among the groups gnomAD compares: South Asian, 0.33%; 5 homozygotes.

Submissions (5):

Labcorp Genetics (formerly Invitae), Labcorp
Classification: Likely benign. Last evaluated: 2026-01-23. Review status: criteria provided, single submitter. Criteria: Invitae Variant Classification Sherloc (09022015). Collection method: clinical testing. Allele origin: germline.

Blueprint Genetics
Classification: Likely benign. Last evaluated: 2024-11-22. Review status: criteria provided, single submitter. Criteria: ACMG Guidelines, 2015. Collection method: clinical testing. Allele origin: germline.

Genome-Nilou Lab
Classification: Likely benign for Ectopia lentis et pupillae. Last evaluated: 2023-04-11. Review status: criteria provided, single submitter. Criteria: ACMG Guidelines, 2015. Collection method: clinical testing. Allele origin: germline. Affected: no.

Genome-Nilou Lab
Classification: Likely benign for Ectopia lentis 2, isolated, autosomal recessive. Last evaluated: 2023-04-11. Review status: criteria provided, single submitter. Criteria: ACMG Guidelines, 2015. Collection method: clinical testing. Allele origin: germline. Affected: no.

Illumina Laboratory Services, Illumina
Classification: Likely benign for Ectopia lentis 2, isolated, autosomal recessive. Last evaluated: 2018-01-13. Review status: criteria provided, single submitter. Criteria: ICSL Variant Classification Criteria 13 December 2019. Collection method: clinical testing. Allele origin: germline.
Comment: This variant was observed in the ICSL laboratory as part of a predisposition screen in an ostensibly healthy population. It had not been previously curated by ICSL or reported in the Human Gene Mutation Database (HGMD: prior to June 1st, 2018), and was therefore a candidate for classification through an automated scoring system. Utilizing variant allele frequency, disease prevalence and penetrance estimates, and inheritance mode, an automated score was calculated to assess if this variant is too frequent to cause the disease. Based on the score and internal cut-off values, a variant classified as likely benign is not then subjected to further curation. The score for this variant resulted in a classification of likely benign for this disease.